The following is an entry in ClinVar:

NM_000492.4(CFTR):c.711G>C (p.Gln237His)

Gene: CFTR (CF transmembrane conductance regulator; plus strand). Cytogenetic location: 7q31.2.
Variant type: single nucleotide variant.
Coding change: c.711G>C on transcript NM_000492.4 (MANE Select); coding-DNA position 711, G replaced by C.
Protein change: p.Gln237His; replaces glutamine 237 with histidine.
Molecular consequence: missense variant.
Genome position (GRCh38, 1-based): chr7:117,535,379, G>C. VCF-style: chr7-117535379-G-C. GRCh37 (hg19) VCF-style: chr7-117175433-G-C.
Other names: short protein forms Q237H.
Identifiers: ClinVar variation 54043 (VCV000054043.17), dbSNP rs397508785, ClinGen allele CA327629.

ClinVar aggregate classification (germline): Conflicting classifications of pathogenicity. Review status: criteria provided, conflicting classifications (1 of 4 stars). 6 submissions from 6 submitters: Likely pathogenic (1); Uncertain significance (5). Last evaluated 2026-06-23.

Conditions:
CFTR-related disorder (CFTR-RD). Also called: CFTR-related disorders; CFTR-related condition. Identifiers: MedGen C5924204, MONDO:7770004.
Cystic fibrosis (CF). Also called: MUCOVISCIDOSIS. Identifiers: Orphanet 586, MedGen C0010674, MONDO:0009061, OMIM 219700. Disease mechanism: loss of function.

Submissions (6):

Ambry Genetics
Classification: Uncertain significance for Cystic fibrosis. Last evaluated: 2026-06-23. Review status: criteria provided, single submitter. Criteria: Ambry Variant Classification Scheme 2023. Collection method: clinical testing. Allele origin: germline.
Comment: The p.Q237H variant (also known as c.711G>C), located in coding exon 6 of the CFTR gene, results from a G to C substitution at nucleotide position 711. The glutamine at codon 237 is replaced by histidine, an amino acid with highly similar properties. This variant has been identified in the homozygous state and/or in conjunction with other CFTR variant(s) in individual(s) with features consistent with cystic fibrosis (Michl RK et al. Klin Padiatr, 2013 Sep;225:288-9). In an assay testing CFTR function, this variant showed a functionally abnormal result (Bihler H et al. J Cyst Fibros, 2024 Jul;23:664-675). This amino acid position is highly conserved in available vertebrate species. In addition, this alteration is predicted to be deleterious by in silico analysis. Based on the available evidence, the clinical significance of this variant remains unclear.

Natera, Inc.
Classification: Likely pathogenic for CFTR-related disorders. Last evaluated: 2026-01-12. Review status: criteria provided, single submitter. Criteria: Natera Variant Classification Schema (03/2026). Collection method: clinical testing. Allele origin: germline.
Comment: The c.711G>C variant in CFTR is a missense variant predicted to cause substitution of glutamine to histidine at amino acid 237. This variant is rare in the general population with a frequency below the threshold expected for the associated phenotype(s). This variant has been observed in one or more individuals affected with the associated recessive disease, as either homozygous or compound heterozygous with a second variant (PMID: 24022636). Functional studies show that this variant may disrupt protein function (PMID: 38388235). A different variant at the same position has been determined to be Pathogenic or Likely Pathogenic. Computational prediction algorithms indicate this variant is likely to affect gene or protein function. Given the available evidence, this variant is classified as Likely Pathogenic.

Institute of Human Genetics, University of Leipzig Medical Center
Classification: Uncertain significance for Cystic fibrosis. Last evaluated: 2022-09-05. Review status: criteria provided, single submitter. Criteria: ACMG Guidelines, 2015. Collection method: curation. Allele origin: unknown. Affected: yes. Observed: 1 variant allele.
Comment: The variant was classified in the context of a project re-classifying variants in the German Cystic Fibrosis Registry (Muko.e.V.). Criteria applied: PM2_SUP, PM3, PM5

Genome-Nilou Lab
Classification: Uncertain significance for Cystic fibrosis. Last evaluated: 2021-09-05. Review status: criteria provided, single submitter. Criteria: ACMG Guidelines, 2015. Collection method: clinical testing. Allele origin: germline. Affected: no.

Women's Health and Genetics/Laboratory Corporation of America, LabCorp
Classification: Uncertain significance. Last evaluated: 2019-12-30. Review status: criteria provided, single submitter. Criteria: LabCorp Variant Classification Summary - May 2015. Collection method: clinical testing. Allele origin: germline.
Comment: Variant summary: CFTR c.711G>C (p.Gln237His) results in a non-conservative amino acid change located in the ABC transporter type 1, transmembrane domain (IPR011527) of the encoded protein sequence. Five of five in-silico tools predict a damaging effect of the variant on protein function. The variant was absent in 251392 control chromosomes. c.711G>C has been reported in the literature in compound heterozygosity with p.F508del in a case report of at-least one individual affected with Cystic Fibrosis (Michl_2013). Although these data do not allow a firm conclusion about variant significance, they suggest that the variant may be associated with disease. To our knowledge, no experimental evidence demonstrating an impact on protein function has been reported. No clinical diagnostic laboratories have submitted clinical-significance assessments for this variant to ClinVar after 2014. Based on the evidence outlined above, the variant was classified as VUS-possibly pathogenic.

Labcorp Genetics (formerly Invitae), Labcorp
Classification: Uncertain significance for Cystic fibrosis. Last evaluated: 2018-11-13. Review status: criteria provided, single submitter. Criteria: Invitae Variant Classification Sherloc (09022015). Collection method: clinical testing. Allele origin: germline.
Comment: This sequence change replaces glutamine with histidine at codon 237 of the CFTR protein (p.Gln237His). The glutamine residue is highly conserved and there is a small physicochemical difference between glutamine and histidine. In summary, the available evidence is currently insufficient to determine the role of this variant in disease. Therefore, it has been classified as a Variant of Uncertain Significance. Algorithms developed to predict the effect of missense changes on protein structure and function are either unavailable or do not agree on the potential impact of this missense change (SIFT: "Deleterious"; PolyPhen-2: "Probably Damaging"; Align-GVGD: "Class C0"). This variant has been observed in combination with another pathogenic CFTR variant in an individual affected with cystic fibrosis (PMID: 24022636). This variant is not present in population databases (ExAC no frequency).

Literature cited by the submitters: PubMed 24022636 (cited by 4 submitters); PubMed 38388235 (cited by Ambry Genetics and Natera, Inc.); PubMed 25735457 (cited by Women's Health and Genetics/Laboratory Corporation of America, LabCorp).